The following is an entry in ClinVar:

ClinVar aggregate classification (germline): Uncertain significance (1 of 4 stars; one submission).

Conditions:
Charcot-Marie-Tooth disease dominant intermediate C (CMTDIC). Also called: CHARCOT-MARIE-TOOTH NEUROPATHY, DOMINANT INTERMEDIATE C. Identifiers: Orphanet 100045, MedGen C1842237, MONDO:0012012, OMIM 608323.

Allele frequency attached by ClinVar (database versions not stated): TOPMed below 0.00001; gnomAD exomes 0.00001 and 0.00002; ExAC 0.00002.
gnomAD v4.1: 7 of 1,614,194 alleles (0.00043%); highest among the groups gnomAD compares: Admixed American, 0.012%; no homozygotes.

Submission:

Labcorp Genetics (formerly Invitae), Labcorp
Classification: Uncertain significance for Charcot-Marie-Tooth disease dominant intermediate C. Last evaluated: 2023-11-27. Review status: criteria provided, single submitter. Criteria: Invitae Variant Classification Sherloc (09022015). Collection method: clinical testing. Allele origin: germline.
Comment: This sequence change replaces leucine, which is neutral and non-polar, with methionine, which is neutral and non-polar, at codon 415 of the YARS protein (p.Leu415Met). This variant is present in population databases (rs774750132, gnomAD 0.01%). This variant has not been reported in the literature in individuals affected with YARS-related conditions. ClinVar contains an entry for this variant (Variation ID: 1681488). Advanced modeling of protein sequence and biophysical properties (such as structural, functional, and spatial information, amino acid conservation, physicochemical variation, residue mobility, and thermodynamic stability) performed at Invitae indicates that this missense variant is not expected to disrupt YARS protein function with a negative predictive value of 80%. In summary, the available evidence is currently insufficient to determine the role of this variant in disease. Therefore, it has been classified as a Variant of Uncertain Significance.

NM_003680.4(YARS1):c.1243C>A (p.Leu415Met)

Gene: YARS1 (tyrosyl-tRNA synthetase 1; minus strand). Cytogenetic location: 1p35.1.
Variant type: single nucleotide variant.
Coding change: c.1243C>A on transcript NM_003680.4 (MANE Select); coding-DNA position 1243, C replaced by A.
Protein change: p.Leu415Met; replaces leucine 415 with methionine.
Molecular consequence: missense variant.
Genome position (GRCh38, 1-based): chr1:32,780,176, G>T on the plus strand (C>A on the coding strand, the complement: YARS1 is on the minus strand). VCF-style: chr1-32780176-G-T. GRCh37 (hg19) VCF-style: chr1-33245777-G-T.
Other names: short protein forms L415M.
Identifiers: ClinVar variation 1681488 (VCV001681488.6), dbSNP rs774750132, ClinGen allele CA744945.
Genomic context (GRCh38, chr1:32,780,176, plus strand): 5'-CGACTCCTCTCATCTTCTGGGGTTTCAGGTTGCACAGCACCACTACCAGCCTGTCCTGCA[G>T]TTCCTCCTTGGGCACGAACTGTACCAGGCCGCTCACCACAGTCCGTGGTTCAGCTTCCCC-3'
Protein context (NP_003671.1, residues 405-425): GLVQFVPKEE[Leu415Met]QDRLVVVLCN